The following is an entry in ClinVar:

ClinVar aggregate classification (germline): Uncertain significance (1 of 4 stars; one submission).

Conditions:
Hepatic veno-occlusive disease-immunodeficiency syndrome. Also called: Hepatic Veno-Occlusive Disease with Immunodeficiency. Identifiers: Orphanet 79124, MedGen C1856128, MONDO:0009338, OMIM 235550. Disease mechanism: loss of function.

Allele frequency attached by ClinVar (database versions not stated): ExAC 0.00001; gnomAD exomes 0.00001; gnomAD 0.00005 and 0.00006; TOPMed 0.00005.
gnomAD v4.1: 24 of 1,613,802 alleles (0.0015%); highest among the groups gnomAD compares: Middle Eastern, 0.016%; no homozygotes.

Submission:

Labcorp Genetics (formerly Invitae), Labcorp
Classification: Uncertain significance for Hepatic veno-occlusive disease-immunodeficiency syndrome. Last evaluated: 2026-01-11. Review status: criteria provided, single submitter. Criteria: Invitae Variant Classification Sherloc (09022015). Collection method: clinical testing. Allele origin: germline.
Comment: This sequence change replaces threonine, which is neutral and polar, with methionine, which is neutral and non-polar, at codon 98 of the SP110 protein (p.Thr98Met). This variant is present in population databases (rs755163914, gnomAD 0.003%). This variant has not been reported in the literature in individuals affected with SP110-related conditions. ClinVar contains an entry for this variant (Variation ID: 998859). An algorithm developed to predict the effect of missense changes on protein structure and function outputs the following: PolyPhen-2: "Benign". The methionine amino acid residue is found in multiple mammalian species, which suggests that this missense change does not adversely affect protein function. In summary, the available evidence is currently insufficient to determine the role of this variant in disease. Therefore, it has been classified as a Variant of Uncertain Significance.

NM_080424.4(SP110):c.293C>T (p.Thr98Met)

Genes: SP110 (SP110 nuclear body protein; minus strand), SP140 (SP140 nuclear body protein; plus strand). Cytogenetic location: 2q37.1.
Variant type: single nucleotide variant.
Coding change: c.293C>T on transcript NM_080424.4 (MANE Select); coding-DNA position 293, C replaced by T.
Protein change: p.Thr98Met; replaces threonine 98 with methionine.
Molecular consequence: missense variant.
Genome position (GRCh38, 1-based): chr2:230,214,973, G>A on the plus strand (C>T on the coding strand, the complement: SP110 is on the minus strand). VCF-style: chr2-230214973-G-A. GRCh37 (hg19) VCF-style: chr2-231079688-G-A.
Other names: c.311C>T, p.Thr104Met (NM_001185015.2, NM_001378442.1, NM_001378444.1 and 2 more transcripts); c.293C>T, p.Thr98Met (NM_001378443.1, NM_001378447.1, NM_004509.5 and 1 more transcripts); short protein forms T104M, T98M.
Identifiers: ClinVar variation 998859 (VCV000998859.5), dbSNP rs755163914, ClinGen allele CA2154871.